The following is an entry in ClinVar:

NM_002473.6(MYH9):c.3893A>G (p.Lys1298Arg)

Gene: MYH9 (myosin heavy chain 9; minus strand). Cytogenetic location: 22q12.3.
Variant type: single nucleotide variant.
Coding change: c.3893A>G on transcript NM_002473.6 (MANE Select); coding-DNA position 3893, A replaced by G.
Protein change: p.Lys1298Arg; replaces lysine 1298 with arginine.
Molecular consequence: missense variant.
Genome position (GRCh38, 1-based): chr22:36,293,808, T>C on the plus strand (A>G on the coding strand, the complement: MYH9 is on the minus strand). VCF-style: chr22-36293808-T-C. GRCh37 (hg19) VCF-style: chr22-36689854-T-C.
Other names: short protein forms K1298R.
Identifiers: ClinVar variation 4746161 (VCV004746161.1).
Genomic context (GRCh38, chr22:36,293,808, plus strand): 5'-GCCACCCCTACCTGAGTGTCCTGCAGCTGGGACTCCAGCGCGGAGAAGTCCTTGGTGAGC[T>C]TGCTGGACTTGCTGTCGGACTGGCTGAGAAGCCCGGTCACGTTGTCCAGCTCCACCTGCA-3'
Protein context (NP_002464.1, residues 1288-1308): LLSQSDSKSS[Lys1298Arg]LTKDFSALES

ClinVar aggregate classification (germline): Uncertain significance (1 of 4 stars; one submission).

gnomAD v4.1: 12 of 1,613,980 alleles (0.00074%); highest among the groups gnomAD compares: Non-Finnish European, 0.001%; no homozygotes.

Submission:

Labcorp Genetics (formerly Invitae), Labcorp
Classification: Uncertain significance. Last evaluated: 2025-09-13. Review status: criteria provided, single submitter. Criteria: Invitae Variant Classification Sherloc (09022015). Collection method: clinical testing. Allele origin: germline.
Comment: This sequence change replaces lysine, which is basic and polar, with arginine, which is basic and polar, at codon 1298 of the MYH9 protein (p.Lys1298Arg). This variant is not present in population databases (gnomAD no frequency). This variant has not been reported in the literature in individuals affected with MYH9-related conditions. Invitae Evidence Modeling of protein sequence and biophysical properties (such as structural, functional, and spatial information, amino acid conservation, physicochemical variation, residue mobility, and thermodynamic stability) indicates that this missense variant is not expected to disrupt MYH9 protein function with a negative predictive value of 95%. In summary, the available evidence is currently insufficient to determine the role of this variant in disease. Therefore, it has been classified as a Variant of Uncertain Significance.